The following is an entry in ClinVar:

NM_000088.4(COL1A1):c.4258G>T (p.Gly1420Ter)

Gene: COL1A1 (collagen type I alpha 1 chain; minus strand). Cytogenetic location: 17q21.33.
Variant type: single nucleotide variant.
Coding change: c.4258G>T on transcript NM_000088.4 (MANE Select); coding-DNA position 4258, G replaced by T.
Protein change: p.Gly1420Ter; replaces glycine 1420 with a stop codon.
Molecular consequence: nonsense.
Genome position (GRCh38, 1-based): chr17:50,185,639, C>A on the plus strand (G>T on the coding strand, the complement: COL1A1 is on the minus strand). VCF-style: chr17-50185639-C-A. GRCh37 (hg19) VCF-style: chr17-48263000-C-A.
Other names: short protein forms G1420*.
Identifiers: ClinVar variation 4993409 (VCV004993409.1).

ClinVar aggregate classification (germline): Likely pathogenic (1 of 4 stars; one submission).

Conditions:
COL1A1-related disorder. Also called: COL1A1- related disease; COL1A1-related condition.

Submission:

PreventionGenetics, part of Exact Sciences
Classification: Likely pathogenic for COL1A1-related condition. Last evaluated: 2026-06-19. Review status: criteria provided, single submitter. Criteria: ACMG Guidelines, 2015. Collection method: clinical testing. Allele origin: germline.
Comment: The COL1A1 c.4258G>T variant is predicted to result in premature protein termination (p.Gly1420*). To our knowledge, this variant has not been reported in the literature or in a large population database (gnomAD), indicating this variant is rare. Nonsense variants in COL1A1 are expected to be pathogenic. This variant is interpreted as likely pathogenic.